The following is an entry in ClinVar:

ClinVar aggregate classification (germline): Pathogenic (1 of 4 stars; one submission).

Allele frequency attached by ClinVar (database versions not stated): gnomAD exomes 0.00001; ExAC 0.00002.
gnomAD v4.1: 5 of 1,613,904 alleles (0.00031%); highest among the groups gnomAD compares: Admixed American, 0.0083%; no homozygotes.

Submission:

Labcorp Genetics (formerly Invitae), Labcorp
Classification: Pathogenic. Last evaluated: 2023-11-07. Review status: criteria provided, single submitter. Criteria: Invitae Variant Classification Sherloc (09022015). Collection method: clinical testing. Allele origin: germline.
Comment: This sequence change creates a premature translational stop signal (p.Gly1090*) in the MYO18B gene. It is expected to result in an absent or disrupted protein product. Loss-of-function variants in MYO18B are known to be pathogenic (PMID: 25748484, 32184166, 32637634). This variant is present in population databases (rs751557279, gnomAD 0.01%). This variant has not been reported in the literature in individuals affected with MYO18B-related conditions. For these reasons, this variant has been classified as Pathogenic.

Literature cited by the submitters: PubMed 25748484; PubMed 32184166; PubMed 32637634.

NM_032608.7(MYO18B):c.3268G>T (p.Gly1090Ter)

Gene: MYO18B (myosin XVIIIB; plus strand). Cytogenetic location: 22q12.1.
Variant type: single nucleotide variant.
Coding change: c.3268G>T on transcript NM_032608.7 (MANE Select); coding-DNA position 3268, G replaced by T.
Protein change: p.Gly1090Ter; replaces glycine 1090 with a stop codon.
Molecular consequence: nonsense.
Genome position (GRCh38, 1-based): chr22:25,843,794, G>T. VCF-style: chr22-25843794-G-T. GRCh37 (hg19) VCF-style: chr22-26239761-G-T.
Other names: c.3271G>T, p.Gly1091Ter (NM_001318245.2); short protein forms G1091*, G1090*.
Identifiers: ClinVar variation 2987176 (VCV002987176.3), dbSNP rs751557279, ClinGen allele CA10160511.